The following is an entry in ClinVar:

ClinVar aggregate classification (germline): Benign/Likely benign. Review status: criteria provided, multiple submitters, no conflicts (2 of 4 stars). 3 submissions from 3 submitters: Benign (1); Likely benign (2). Last evaluated 2025-12-23.

Conditions:
Hereditary cancer-predisposing syndrome. Also called: Hereditary neoplastic syndrome; Tumor predisposition; Neoplastic Syndromes, Hereditary; Hereditary Cancer Syndrome. Identifiers: Orphanet 140162, MedGen C0027672, MeSH D009386, MONDO:0015356.
Familial cancer of breast. Also called: Hereditary breast cancer; hereditary breast carcinoma; BREAST CANCER, FAMILIAL. Identifiers: Orphanet 227535, MedGen C0346153, MONDO:0016419, OMIM 114480. Disease mechanism: loss of function.
Ataxia-telangiectasia syndrome (AT). Also called: Ataxia-telangiectasia, complementation group D; Ataxia telangiectasia (A-T); LOUIS-BAR SYNDROME; AT, COMPLEMENTATION GROUP C; Ataxia-telangiectasia; ATAXIA-TELANGIECTASIA, COMPLEMENTATION GROUP A. Identifiers: Orphanet 100, MedGen C0004135, MONDO:0008840, OMIM 208900.

Allele frequency attached by ClinVar (database versions not stated): gnomAD exomes below 0.00001; gnomAD 0.00001.
gnomAD v4.1: 3 of 1,613,960 alleles (0.00019%); highest among the groups gnomAD compares: Non-Finnish European, 0.00025%; no homozygotes.

Submissions (3):

Labcorp Genetics (formerly Invitae), Labcorp
Classification: Likely benign for Ataxia-telangiectasia syndrome. Last evaluated: 2025-12-23. Review status: criteria provided, single submitter. Criteria: Invitae Variant Classification Sherloc (09022015). Collection method: clinical testing. Allele origin: germline.

Myriad Genetics, Inc.
Classification: Benign for Familial cancer of breast. Last evaluated: 2024-04-25. Review status: criteria provided, single submitter. Criteria: Myriad Autosomal Dominant, Autosomal Recessive and X-Linked Classification Criteria (2023). Collection method: clinical testing. Allele origin: unknown.
Comment: This variant is considered benign. This variant is a silent/synonymous amino acid change and it is not expected to impact splicing.

Ambry Genetics
Classification: Likely benign for Hereditary cancer-predisposing syndrome. Last evaluated: 2015-08-15. Review status: criteria provided, single submitter. Criteria: Ambry Variant Classification Scheme 2023. Collection method: clinical testing. Allele origin: germline.

NM_000051.4(ATM):c.1209A>G (p.Ser403=)

Gene: ATM (ATM serine/threonine kinase; plus strand). Cytogenetic location: 11q22.3.
Variant type: single nucleotide variant.
Coding change: c.1209A>G on transcript NM_000051.4 (MANE Select); coding-DNA position 1209, A replaced by G.
Protein change: p.Ser403=; no amino-acid change (serine 403 retained).
Molecular consequence: synonymous variant.
Genome position (GRCh38, 1-based): chr11:108,249,076, A>G. VCF-style: chr11-108249076-A-G. GRCh37 (hg19) VCF-style: chr11-108119803-A-G.
Other names: c.1209A>G, p.Ser403= (NM_001351834.2).
Identifiers: ClinVar variation 1112545 (VCV001112545.12), dbSNP rs1213832469, ClinGen allele CA476671781.
Genomic context (GRCh38, chr11:108,249,076, plus strand): 5'-TTGCAAAAGGAAGAAAATAGAACTAGGCTGGGAAGTAATAAAAGATCACCTTCAGAAGTC[A>G]CAGAATGATTTTGATCTTGTGCCTTGGTAAAGTGTTACCATTTTCTCATTCAGTGTCATT-3'
Protein context (NP_000042.3, residues 393-413): WEVIKDHLQK[Ser403=]QNDFDLVPWL